The following is an entry in ClinVar:

ClinVar aggregate classification (germline): Uncertain significance (1 of 4 stars; one submission).

Conditions:
Lynch syndrome 5 (LYNCH5). Also called: Hereditary non-polyposis colorectal cancer, type 5; Colorectal cancer, hereditary nonpolyposis, type 5. Identifiers: Orphanet 144, MedGen C1833477, MONDO:0013710, OMIM 614350. Disease mechanism: loss of function.

Submission:

Institute for Clinical Genetics, University Hospital TU Dresden, University Hospital TU Dresden
Classification: Uncertain significance for Lynch syndrome 5. Last evaluated: 2026-01-12. Review status: criteria provided, single submitter. Criteria: ACMG Guidelines, 2015. Collection method: clinical testing. Allele origin: germline. Affected: no.
Comment: This missense variant in the MSH6 gene leads to an amino acid substitution at position 884 in the corresponding protein due to a base substitution at position 2651 of the cDNA. Bioinformatic prediction algorithms estimate the effect of the variant on protein function to be moderately significant (HCI priors MAPP/PP2 score: 0.84), but an actual effect has not yet been functionally investigated. This variant has not yet been classified in the ClinVar database. The variant is not listed in the gnomAD v4.1.0 population database. According to the current ClinGen-VCEP specifications for the ACMG/AMP guidelines for the evaluation of MSH6 variants, the criteria PM2_SUP, PP3_MOD, and PP4_MOD are met, resulting in an assessment as a variant of uncertain significance (ACMG class 3).

NM_000179.3(MSH6):c.2651C>A (p.Ser884Tyr)

Gene: MSH6 (mutS homolog 6; plus strand). Cytogenetic location: 2p16.3.
Variant type: single nucleotide variant.
Coding change: c.2651C>A on transcript NM_000179.3 (MANE Select); coding-DNA position 2651, C replaced by A.
Protein change: p.Ser884Tyr; replaces serine 884 with tyrosine.
Molecular consequence: missense variant. On other transcripts: non-coding transcript variant (5), intron variant (3).
Genome position (GRCh38, 1-based): chr2:47,800,634, C>A. VCF-style: chr2-47800634-C-A. GRCh37 (hg19) VCF-style: chr2-48027773-C-A.
Other names: c.1745C>A, p.Ser582Tyr (NM_001406815.1, NM_001406816.1, NM_001406823.1 and 6 more transcripts); c.2354C>A, p.Ser785Tyr (NM_001406818.1, NM_001406819.1, NM_001406820.1 and 10 more transcripts); c.2261C>A, p.Ser754Tyr (NM_001281492.2); c.2747C>A, p.Ser916Tyr (NM_001406795.1, NM_001406802.1); c.2651C>A, p.Ser884Tyr (NM_001406796.1, NM_001406798.1, NM_001406800.1 and 2 more transcripts); c.2126C>A, p.Ser709Tyr (NM_001406799.1, NM_001406806.1, NM_001406807.1); c.2573C>A, p.Ser858Tyr (NM_001406804.1); c.2657C>A, p.Ser886Tyr (NM_001406813.1); and 4 more; short protein forms S582Y, S709Y, S754Y, S785Y, S828Y, S858Y, S884Y, S886Y.
Identifiers: ClinVar variation 4850099 (VCV004850099.1).